The following is an entry in ClinVar:

ClinVar aggregate classification (germline): Uncertain significance (1 of 4 stars; one submission).

Conditions:
Nephronophthisis. Also called: Juvenile Nephronophthisis. Identifiers: Orphanet 655, MedGen C0687120, MONDO:0019005, HP:0000090.

gnomAD v4.1: 4 of 1,613,826 alleles (0.00025%); highest among the groups gnomAD compares: Non-Finnish European, 0.00025%; no homozygotes.

Submission:

Labcorp Genetics (formerly Invitae), Labcorp
Classification: Uncertain significance for Nephronophthisis. Last evaluated: 2025-02-27. Review status: criteria provided, single submitter. Criteria: Invitae Variant Classification Sherloc (09022015). Collection method: clinical testing. Allele origin: germline.
Comment: This sequence change replaces glycine, which is neutral and non-polar, with aspartic acid, which is acidic and polar, at codon 1100 of the NPHP3 protein (p.Gly1100Asp). This variant is present in population databases (rs758927671, gnomAD 0.0009%). This variant has not been reported in the literature in individuals affected with NPHP3-related conditions. Invitae Evidence Modeling of protein sequence and biophysical properties (such as structural, functional, and spatial information, amino acid conservation, physicochemical variation, residue mobility, and thermodynamic stability) indicates that this missense variant is expected to disrupt NPHP3 protein function with a positive predictive value of 80%. In summary, the available evidence is currently insufficient to determine the role of this variant in disease. Therefore, it has been classified as a Variant of Uncertain Significance.

NM_153240.5(NPHP3):c.3299G>A (p.Gly1100Asp)

Genes: NPHP3 (nephrocystin 3; minus strand), NPHP3-ACAD11 (NPHP3-ACAD11 readthrough (NMD candidate); minus strand). Cytogenetic location: 3q22.1.
Variant type: single nucleotide variant.
Coding change: c.3299G>A on transcript NM_153240.5 (MANE Select); coding-DNA position 3299, G replaced by A.
Protein change: p.Gly1100Asp; replaces glycine 1100 with aspartic acid.
Molecular consequence: missense variant. On other transcripts: non-coding transcript variant (1).
Genome position (GRCh38, 1-based): chr3:132,686,290, C>T on the plus strand (G>A on the coding strand, the complement: NPHP3 is on the minus strand). VCF-style: chr3-132686290-C-T. GRCh37 (hg19) VCF-style: chr3-132405134-C-T.
Other names: short protein forms G1100D.
Identifiers: ClinVar variation 4741508 (VCV004741508.1).